The following is an entry in ClinVar:

NM_000147.5(FUCA1):c.532C>T (p.Arg178Cys)

Gene: FUCA1 (alpha-L-fucosidase 1; minus strand). Cytogenetic location: 1p36.11.
Variant type: single nucleotide variant.
Coding change: c.532C>T on transcript NM_000147.5 (MANE Select); coding-DNA position 532, C replaced by T.
Protein change: p.Arg178Cys; replaces arginine 178 with cysteine.
Molecular consequence: missense variant.
Genome position (GRCh38, 1-based): chr1:23,863,264, G>A on the plus strand (C>T on the coding strand, the complement: FUCA1 is on the minus strand). VCF-style: chr1-23863264-G-A. GRCh37 (hg19) VCF-style: chr1-24189754-G-A.
Other names: c.532C>T (NM_000147.4); short protein forms R178C.
Identifiers: ClinVar variation 1081527 (VCV001081527.11), dbSNP rs149540896, ClinGen allele CA686505.
Genomic context (GRCh38, chr1:23,863,264, plus strand): 5'-TCTTATCAAGTAGATAGAGTGGATGGAACCACTCTAAGAGTGAGTGGTATAGTCCATAGC[G>A]GATGTTCCTTAAACAGAAAAACAGAACAGCAACTGTCATTAAGCATAGAACAAATAATTT-3'
Protein context (NP_000138.2, residues 168-188): LGTALRKRNI[Arg178Cys]YGLYHSLLEW

ClinVar aggregate classification (germline): Likely benign. Review status: criteria provided, single submitter (1 of 4 stars). 2 submissions from 2 submitters: Likely benign (1). 1 of the submissions does not count toward it. Last evaluated 2026-01-15.

Conditions:
Fucosidosis. Also called: ALPHA-L-FUCOSIDASE DEFICIENCY. Identifiers: Orphanet 349, MedGen C0016788, MONDO:0009254, OMIM 230000.
FUCA1-related disorder. Also called: FUCA1-related condition.

Allele frequency attached by ClinVar (database versions not stated): gnomAD 0.00002 and 0.00011; ESP Exome Variant Server 0.00008; gnomAD exomes 0.00015 and 0.00035; ExAC 0.00049; 1000 Genomes Project 30x 0.00109; 1000 Genomes Project 0.00120.
gnomAD v4.1: 238 of 1,612,796 alleles (0.015%); highest among the groups gnomAD compares: South Asian, 0.24%; no homozygotes.

Submissions (2):

Labcorp Genetics (formerly Invitae), Labcorp
Classification: Likely benign for Fucosidosis. Last evaluated: 2026-01-15. Review status: criteria provided, single submitter. Criteria: Invitae Variant Classification Sherloc (09022015). Collection method: clinical testing. Allele origin: germline.

PreventionGenetics, part of Exact Sciences
Classification: Likely benign for FUCA1-related condition. Last evaluated: 2023-04-28. Review status: no assertion criteria provided. Collection method: clinical testing. Allele origin: germline. Not counted in ClinVar's aggregate classification.
Comment: This variant is classified as likely benign based on ACMG/AMP sequence variant interpretation guidelines (Richards et al. 2015 PMID: 25741868, with internal and published modifications).